The following is an entry in ClinVar:

NM_001903.5(CTNNA1):c.68T>A (p.Leu23Gln)

Gene: CTNNA1 (catenin alpha 1; plus strand). Cytogenetic location: 5q31.2.
Variant type: single nucleotide variant.
Coding change: c.68T>A on transcript NM_001903.5 (MANE Select); coding-DNA position 68, T replaced by A.
Protein change: p.Leu23Gln; replaces leucine 23 with glutamine.
Molecular consequence: missense variant. On other transcripts: 5 prime UTR variant (2).
Genome position (GRCh38, 1-based): chr5:138,781,992, T>A. VCF-style: chr5-138781992-T-A. GRCh37 (hg19) VCF-style: chr5-138117681-T-A.
Other names: c.68T>A, p.Leu23Gln (NM_001290307.3, NM_001323982.2, NM_001323983.1 and 3 more transcripts); c.-46T>A (NM_001290309.3); c.-139T>A (NM_001290310.3); short protein forms L23Q.
Identifiers: ClinVar variation 1054487 (VCV001054487.12), dbSNP rs762931250, ClinGen allele CA3431333.

ClinVar aggregate classification (germline): Uncertain significance. Review status: criteria provided, multiple submitters, no conflicts (2 of 4 stars). 2 submissions from 2 submitters: Uncertain significance (2). Last evaluated 2024-04-30.

Conditions:
Hereditary cancer-predisposing syndrome. Also called: Hereditary Cancer Syndrome; Tumor predisposition; Hereditary neoplastic syndrome; Neoplastic Syndromes, Hereditary. Identifiers: Orphanet 140162, MedGen C0027672, MeSH D009386, MONDO:0015356.

Allele frequency attached by ClinVar (database versions not stated): gnomAD exomes below 0.00001; gnomAD 0.00001; ExAC 0.00002.
gnomAD v4.1: 1 of 1,607,914 alleles (0.000062%); highest among the groups gnomAD compares: Non-Finnish European, 0.000085%; no homozygotes.

Submissions (2):

Labcorp Genetics (formerly Invitae), Labcorp
Classification: Uncertain significance. Last evaluated: 2024-04-30. Review status: criteria provided, single submitter. Criteria: Invitae Variant Classification Sherloc (09022015). Collection method: clinical testing. Allele origin: germline.
Comment: This sequence change replaces leucine, which is neutral and non-polar, with glutamine, which is neutral and polar, at codon 23 of the CTNNA1 protein (p.Leu23Gln). This variant is present in population databases (rs762931250, gnomAD 0.0009%). This variant has not been reported in the literature in individuals affected with CTNNA1-related conditions. ClinVar contains an entry for this variant (Variation ID: 1054487). Advanced modeling of protein sequence and biophysical properties (such as structural, functional, and spatial information, amino acid conservation, physicochemical variation, residue mobility, and thermodynamic stability) performed at Invitae indicates that this missense variant is not expected to disrupt CTNNA1 protein function with a negative predictive value of 80%. In summary, the available evidence is currently insufficient to determine the role of this variant in disease. Therefore, it has been classified as a Variant of Uncertain Significance.

Ambry Genetics
Classification: Uncertain significance for Hereditary cancer-predisposing syndrome. Last evaluated: 2022-06-15. Review status: criteria provided, single submitter. Criteria: Ambry Variant Classification Scheme 2023. Collection method: clinical testing. Allele origin: germline.
Comment: The p.L23Q variant (also known as c.68T>A), located in coding exon 1 of the CTNNA1 gene, results from a T to A substitution at nucleotide position 68. The leucine at codon 23 is replaced by glutamine, an amino acid with dissimilar properties. This amino acid position is conserved. In addition, the in silico prediction for this alteration is inconclusive. Since supporting evidence is limited at this time, the clinical significance of this alteration remains unclear.